The following is an entry in ClinVar:

ClinVar aggregate classification (germline): Uncertain significance. Review status: criteria provided, multiple submitters, no conflicts (2 of 4 stars). 3 submissions from 3 submitters: Uncertain significance (3). Last evaluated 2025-09-16.

Conditions:
Hereditary cancer-predisposing syndrome. Also called: Tumor predisposition; Hereditary neoplastic syndrome; Hereditary Cancer Syndrome; Neoplastic Syndromes, Hereditary. Identifiers: Orphanet 140162, MedGen C0027672, MeSH D009386, MONDO:0015356.
Gastrointestinal stromal tumor. Also called: Gastrointestinal stroma tumor; Gastrointestinal stromal tumor, somatic. Identifiers: Orphanet 44890, MedGen C0238198, MeSH D046152, MONDO:0011719, OMIM 606764, HP:0100723.
Polyps, multiple and recurrent inflammatory fibroid, gastrointestinal. Identifiers: MedGen C5193005, MONDO:0008285, OMIM 175510.

Allele frequency attached by ClinVar (database versions not stated): gnomAD 0.00001; TOPMed 0.00002.
gnomAD v4.1: 2 of 1,613,984 alleles (0.00012%); highest among the groups gnomAD compares: Admixed American, 0.0033%; no homozygotes.

Submissions (3):

Ambry Genetics
Classification: Uncertain significance for Hereditary cancer-predisposing syndrome. Last evaluated: 2025-09-16. Review status: criteria provided, single submitter. Criteria: Ambry Variant Classification Scheme 2023. Collection method: clinical testing. Allele origin: germline.
Comment: The p.W1003C variant (also known as c.3009G>T), located in coding exon 21 of the PDGFRA gene, results from a G to T substitution at nucleotide position 3009. The tryptophan at codon 1003 is replaced by cysteine, an amino acid with highly dissimilar properties. This amino acid position is not well conserved in available vertebrate species. In addition, this alteration is predicted to be tolerated by in silico analysis. Based on the available evidence, the clinical significance of this variant remains unclear.

Labcorp Genetics (formerly Invitae), Labcorp
Classification: Uncertain significance for Gastrointestinal stromal tumor. Last evaluated: 2025-08-31. Review status: criteria provided, single submitter. Criteria: Invitae Variant Classification Sherloc (09022015). Collection method: clinical testing. Allele origin: germline.
Comment: This sequence change replaces tryptophan, which is neutral and slightly polar, with cysteine, which is neutral and slightly polar, at codon 1003 of the PDGFRA protein (p.Trp1003Cys). This variant is not present in population databases (gnomAD no frequency). This variant has not been reported in the literature in individuals affected with PDGFRA-related conditions. ClinVar contains an entry for this variant (Variation ID: 528505). An algorithm developed to predict the effect of missense changes on protein structure and function (PolyPhen-2) suggests that this variant is likely to be disruptive. In summary, the available evidence is currently insufficient to determine the role of this variant in disease. Therefore, it has been classified as a Variant of Uncertain Significance.

Baylor Genetics
Classification: Uncertain significance for Polyps, multiple and recurrent inflammatory fibroid, gastrointestinal. Last evaluated: 2024-03-25. Review status: criteria provided, single submitter. Criteria: ACMG Guidelines, 2015. Collection method: clinical testing. Allele origin: unknown.

NM_006206.6(PDGFRA):c.3009G>T (p.Trp1003Cys)

Gene: PDGFRA (platelet derived growth factor receptor alpha; plus strand). Cytogenetic location: 4q12.
Variant type: single nucleotide variant.
Coding change: c.3009G>T on transcript NM_006206.6 (MANE Select); coding-DNA position 3009, G replaced by T.
Protein change: p.Trp1003Cys; replaces tryptophan 1003 with cysteine.
Molecular consequence: missense variant.
Genome position (GRCh38, 1-based): chr4:54,290,441, G>T. VCF-style: chr4-54290441-G-T. GRCh37 (hg19) VCF-style: chr4-55156608-G-T.
Other names: c.3084G>T, p.Trp1028Cys (NM_001347828.2); c.3009G>T, p.Trp1003Cys (NM_001347829.2); c.3048G>T, p.Trp1016Cys (NM_001347830.2); short protein forms W1003C, W1028C, W1016C.
Identifiers: ClinVar variation 528505 (VCV000528505.11), dbSNP rs981559406, ClinGen allele CA96830190.
Genomic context (GRCh38, chr4:54,290,441, plus strand): 5'-CTCAGACAATGCATACATTGGTGTCACCTACAAAAACGAGGAAGACAAGCTGAAGGACTG[G>T]GAGGGTGGTCTGGATGAGCAGAGACTGAGCGCTGACAGTGGCTACATCATTCCTCTGCCT-3'
Protein context (NP_006197.1, residues 993-1013): YKNEEDKLKD[Trp1003Cys]EGGLDEQRLS